The following is an entry in ClinVar:

NM_000238.4(KCNH2):c.3108dup (p.Asp1037fs)

Gene: KCNH2 (potassium voltage-gated channel subfamily H member 2; minus strand). Cytogenetic location: 7q36.1.
Variant type: Duplication.
Coding change: c.3108dup on transcript NM_000238.4 (MANE Select); coding-DNA position 3108, one base duplicated (C; older notation c.3108dupC).
Protein change: p.Asp1037fs; shifts the reading frame from aspartic acid 1037.
Molecular consequence: frameshift variant.
Genome position (GRCh38, 1-based): chr7:150,947,372, G duplicated on the plus strand (C on the coding strand, the reverse complement: KCNH2 is on the minus strand). VCF-style (leftmost placement, unchanged base first): chr7-150947371-C-CG. GRCh37 (hg19) VCF-style: chr7-150644459-C-CG.
Other names: c.2088dup, p.Asp697fs (NM_172057.3); c.3108dupC (NM_000238.3); short protein forms D697fs, D1037fs.
Identifiers: ClinVar variation 637977 (VCV000637977.12), dbSNP rs1584843033, ClinGen allele CA915945567.

ClinVar aggregate classification (germline): Pathogenic. Review status: criteria provided, multiple submitters, no conflicts (2 of 4 stars). 3 submissions from 3 submitters: Pathogenic (3). Last evaluated 2025-01-23.

Conditions:
Cardiovascular phenotype. Identifiers: MedGen CN230736.
Long QT syndrome 2 (LQT2). Identifiers: Orphanet 101016, Orphanet 768, MedGen C3150943, MONDO:0013367, OMIM 613688.
Long QT syndrome (LQTS). Identifiers: MedGen C0023976, MeSH D008133, MONDO:0002442. Disease mechanism: loss of function. Inheritance: Various modes of inheritance.

Submissions (3):

Labcorp Genetics (formerly Invitae), Labcorp
Classification: Pathogenic for Long QT syndrome. Last evaluated: 2025-01-23. Review status: criteria provided, single submitter. Criteria: Invitae Variant Classification Sherloc (09022015). Collection method: clinical testing. Allele origin: germline.
Comment: This sequence change creates a premature translational stop signal (p.Asp1037Argfs*82) in the KCNH2 gene. While this is not anticipated to result in nonsense mediated decay, it is expected to disrupt the last 123 amino acid(s) of the KCNH2 protein. This variant is not present in population databases (gnomAD no frequency). This variant has not been reported in the literature in individuals affected with KCNH2-related conditions. ClinVar contains an entry for this variant (Variation ID: 637977). This variant disrupts a region of the KCNH2 protein in which other variant(s) (p.Glu1119*) have been determined to be pathogenic (PMID: 27920829). This suggests that this is a clinically significant region of the protein, and that variants that disrupt it are likely to be disease-causing. For these reasons, this variant has been classified as Pathogenic.

Ambry Genetics
Classification: Pathogenic for Cardiovascular phenotype. Last evaluated: 2023-07-19. Review status: criteria provided, single submitter. Criteria: Ambry Variant Classification Scheme 2023. Collection method: clinical testing. Allele origin: germline.
Comment: The c.3108dupC pathogenic mutation, located in coding exon 13 of the KCNH2 gene, results from a duplication of C at nucleotide position 3108, causing a translational frameshift with a predicted alternate stop codon (p.D1037Rfs*82). This alteration occurs at the 3' terminus of theKCNH2 gene, is not expected to trigger nonsense-mediated mRNA decay, and impacts the last 123 amino acids (10.6%) of the protein. However, premature stop codons are typically deleterious in nature, a significant portion of the protein is affected, and the impacted region is critical for protein function (Ambry internal data). A similar frameshift mutation (c.3107dupG, p.D1037Rfs*82) has been reported in association with long QT syndrome (Berthet M et al. Circulation. 1999;99:1464-70). This variant is considered to be rare based on population cohorts in the Genome Aggregation Database (gnomAD). Based on the supporting evidence, this alteration is interpreted as a disease-causing mutation.

MVZ Martinsried, Medicover Genetics
Classification: Pathogenic for Long QT syndrome 2. Last evaluated: 2018-11-29. Review status: criteria provided, single submitter. Criteria: ACMG Guidelines, 2015. Collection method: clinical testing. Allele origin: unknown. Affected: yes.

Literature cited by the submitters: PubMed 27920829 (cited by Labcorp Genetics (formerly Invitae), Labcorp).